The following is an entry in ClinVar:

NM_199355.4(ADAMTS18):c.2425C>A (p.Pro809Thr)

Gene: ADAMTS18 (ADAM metallopeptidase with thrombospondin type 1 motif 18; minus strand). Cytogenetic location: 16q23.1.
Variant type: single nucleotide variant.
Coding change: c.2425C>A on transcript NM_199355.4 (MANE Select); coding-DNA position 2425, C replaced by A.
Protein change: p.Pro809Thr; replaces proline 809 with threonine.
Molecular consequence: missense variant.
Genome position (GRCh38, 1-based): chr16:77,319,956, G>T on the plus strand (C>A on the coding strand, the complement: ADAMTS18 is on the minus strand). VCF-style: chr16-77319956-G-T. GRCh37 (hg19) VCF-style: chr16-77353853-G-T.
Other names: c.1909C>A, p.Pro637Thr (NM_001326358.2); short protein forms P809T, P637T.
Identifiers: ClinVar variation 847179 (VCV000847179.9), dbSNP rs146872649, ClinGen allele CA8180911.

ClinVar aggregate classification (germline): Uncertain significance (1 of 4 stars; one submission).

Allele frequency attached by ClinVar (database versions not stated): ExAC 0.00001; gnomAD exomes 0.00002; TOPMed 0.00002; gnomAD 0.00002; ESP Exome Variant Server 0.00015.
gnomAD v4.1: 29 of 1,614,076 alleles (0.0018%); highest among the groups gnomAD compares: Non-Finnish European, 0.0023%; no homozygotes.

Submission:

Labcorp Genetics (formerly Invitae), Labcorp
Classification: Uncertain significance. Last evaluated: 2023-07-07. Review status: criteria provided, single submitter. Criteria: Invitae Variant Classification Sherloc (09022015). Collection method: clinical testing. Allele origin: germline.
Comment: This variant is present in population databases (rs146872649, gnomAD 0.004%). This sequence change replaces proline, which is neutral and non-polar, with threonine, which is neutral and polar, at codon 809 of the ADAMTS18 protein (p.Pro809Thr). This variant has not been reported in the literature in individuals affected with ADAMTS18-related conditions. ClinVar contains an entry for this variant (Variation ID: 847179). An algorithm developed to predict the effect of missense changes on protein structure and function (PolyPhen-2) suggests that this variant is likely to be disruptive. In summary, the available evidence is currently insufficient to determine the role of this variant in disease. Therefore, it has been classified as a Variant of Uncertain Significance.